The following is an entry in ClinVar:

NM_024666.5(AAGAB):c.370C>T (p.Arg124Ter)

Gene: AAGAB (alpha and gamma adaptin binding protein; minus strand). Cytogenetic location: 15q23.
Variant type: single nucleotide variant.
Coding change: c.370C>T on transcript NM_024666.5 (MANE Select); coding-DNA position 370, C replaced by T.
Protein change: p.Arg124Ter; replaces arginine 124 with a stop codon.
Molecular consequence: nonsense.
Genome position (GRCh38, 1-based): chr15:67,236,060, G>A on the plus strand (C>T on the coding strand, the complement: AAGAB is on the minus strand). VCF-style: chr15-67236060-G-A. GRCh37 (hg19) VCF-style: chr15-67528398-G-A.
Other names: c.43C>T, p.Arg15Ter (NM_001271885.2, NM_001271886.2); c.370C>T (NM_024666.3); short protein forms R124*, R15*.
Identifiers: ClinVar variation 39733 (VCV000039733.23), dbSNP rs200564757, ClinGen allele CA7627130.

ClinVar aggregate classification (germline): Pathogenic. Review status: criteria provided, multiple submitters, no conflicts (2 of 4 stars). 13 submissions from 13 submitters: Pathogenic (10). 3 of the submissions do not count toward it. Last evaluated 2026-04-22.

Conditions:
AAGAB-related disorder. Also called: AAGAB-related condition.
Palmoplantar keratoderma, punctate type 1A (PPKP1A). Also called: PALMOPLANTAR KERATODERMA, PUNCTATE TYPE IA. Identifiers: Orphanet 79501, MedGen CN031225, MONDO:0007858, OMIM 148600.

Allele frequency attached by ClinVar (database versions not stated): gnomAD exomes 0.00002 and 0.00008; gnomAD 0.00005; TOPMed 0.00006; ExAC 0.00002.
gnomAD v4.1: 125 of 1,608,506 alleles (0.0078%); highest among the groups gnomAD compares: Non-Finnish European, 0.0099%; no homozygotes.

Submissions (13):

Clinical Genetics Laboratory, Skane University Hospital Lund
Classification: Pathogenic for Palmoplantar keratoderma, punctate type 1A. Last evaluated: 2026-04-22. Review status: criteria provided, single submitter. Criteria: ACMG Guidelines, 2015. Collection method: clinical testing. Allele origin: germline. Affected: yes.
Comment: PVS1, PS4, PP1_strong and PP4.

Labcorp Genetics (formerly Invitae), Labcorp
Classification: Pathogenic. Last evaluated: 2026-01-25. Review status: criteria provided, single submitter. Criteria: Invitae Variant Classification Sherloc (09022015). Collection method: clinical testing. Allele origin: germline.
Comment: This sequence change creates a premature translational stop signal (p.Arg124*) in the AAGAB gene. It is expected to result in an absent or disrupted protein product. Loss-of-function variants in AAGAB are known to be pathogenic (PMID: 23000146, 23064416, 23563198, 23633024, 24390136). This variant is present in population databases (rs200564757, gnomAD 0.008%). This premature translational stop signal has been observed in individual(s) with punctate palmoplantar keratoderma type Buschke-Fischer-Brauer (PMID: 23000146). It has also been observed to segregate with disease in related individuals. ClinVar contains an entry for this variant (Variation ID: 39733). For these reasons, this variant has been classified as Pathogenic.

Department of Clinical Genetics, Copenhagen University Hospital, Rigshospitalet
Classification: Pathogenic for Palmoplantar keratoderma, punctate type 1A. Last evaluated: 2025-03-14. Review status: criteria provided, single submitter. Criteria: ACMG Guidelines, 2015. Collection method: clinical testing. Allele origin: germline.
Comment: PVS1_VSt, PS4_st, PP4_sup

Blueprint Genetics
Classification: Pathogenic for AAGAB-related disorders. Last evaluated: 2024-10-23. Review status: criteria provided, single submitter. Criteria: ACMG Guidelines, 2015. Collection method: clinical testing. Allele origin: germline. Affected: yes. Observed: 5 variant alleles.

GeneDx
Classification: Pathogenic. Last evaluated: 2024-03-13. Review status: criteria provided, single submitter. Criteria: GeneDx Variant Classification Process June 2021. Collection method: clinical testing. Allele origin: germline. Affected: yes.
Comment: Nonsense variant predicted to result in protein truncation or nonsense mediated decay in a gene for which loss of function is a known mechanism of disease; This variant is associated with the following publications: (PMID: 27400994, 31526046, 31345219, 37745463, 36793812, 24588319, 30451279, 24390136, 23000146, 30339730, 33914963, 38311882)

Centre for Clinical Genetics and Genomic Diagnostics, Zealand University Hospital
Classification: Pathogenic. Last evaluated: 2024-03-07. Review status: criteria provided, single submitter. Criteria: ACMG Guidelines, 2015. Collection method: clinical testing. Allele origin: germline. Affected: yes.

Revvity Omics, Revvity
Classification: Pathogenic for Palmoplantar keratoderma, punctate type 1A. Last evaluated: 2022-09-27. Review status: criteria provided, single submitter. Criteria: ACMG Guidelines, 2015. Collection method: clinical testing. Allele origin: germline.

Institute of Human Genetics, University of Leipzig Medical Center
Classification: Pathogenic for Palmoplantar keratoderma, punctate type 1A. Last evaluated: 2019-01-01. Review status: criteria provided, single submitter. Criteria: ACMG Guidelines, 2015. Collection method: clinical testing. Allele origin: unknown. Affected: yes.

Clinical Genetics Service, Universitary Hospital 12 de Octubre
Classification: Pathogenic for Palmoplantar keratoderma, punctate type 1A. Review status: criteria provided, single submitter. Criteria: ACMG Guidelines, 2015. Collection method: clinical testing. Allele origin: germline. Affected: yes.

Juno Genomics, Hangzhou Juno Genomics, Inc
Classification: Pathogenic for Palmoplantar keratoderma, punctate type 1A. Review status: criteria provided, single submitter. Criteria: ACMG Guidelines, 2015. Collection method: clinical testing. Allele origin: germline.
Comment: Absent from controls (or at extremely low frequency if recessive) in Genome Aggregation Database.;Null variant in a gene where loss of function (LOF) is a known mechanism of disease.;The prevalence of the variant in affected individuals is significantly increased compared to the prevalence in controls.;Co-segregation with disease in multiple affected family members.;Patient's phenotype or family history is highly specific for a disease with a single genetic etiology.

OMIM
Classification: Pathogenic for PALMOPLANTAR KERATODERMA, PUNCTATE TYPE IA. Last evaluated: 2012-10-05. Review status: no assertion criteria provided. Collection method: literature only. Allele origin: germline. Not counted in ClinVar's aggregate classification.

Diagnostic Laboratory, Department of Genetics, University Medical Center Groningen
Classification: Pathogenic. Review status: no assertion criteria provided. Collection method: clinical testing. Allele origin: germline. Affected: yes. Study: VKGL Data-share Consensus. Not counted in ClinVar's aggregate classification.

Joint Genome Diagnostic Labs from Nijmegen and Maastricht, Radboudumc and MUMC+
Classification: Pathogenic. Review status: no assertion criteria provided. Collection method: clinical testing. Allele origin: germline. Affected: yes. Study: VKGL Data-share Consensus. Not counted in ClinVar's aggregate classification.

Literature cited by the submitters: PubMed 23000146 (cited by Labcorp Genetics (formerly Invitae), Labcorp and OMIM); PubMed 23064416 (cited by Labcorp Genetics (formerly Invitae), Labcorp); PubMed 23563198 (cited by Labcorp Genetics (formerly Invitae), Labcorp); PubMed 23633024 (cited by Labcorp Genetics (formerly Invitae), Labcorp); PubMed 24390136 (cited by Labcorp Genetics (formerly Invitae), Labcorp).